The following is an entry in ClinVar:

NM_000388.4(CASR):c.1640T>C (p.Leu547Pro)

Gene: CASR (calcium sensing receptor; plus strand). Cytogenetic location: 3q21.1.
Variant type: single nucleotide variant.
Coding change: c.1640T>C on transcript NM_000388.4 (MANE Select); coding-DNA position 1640, T replaced by C.
Protein change: p.Leu547Pro; replaces leucine 547 with proline.
Molecular consequence: missense variant.
Genome position (GRCh38, 1-based): chr3:122,282,144, T>C. VCF-style: chr3-122282144-T-C. GRCh37 (hg19) VCF-style: chr3-122000991-T-C.
Other names: c.1670T>C, p.Leu557Pro (NM_001178065.2); short protein forms L557P, L547P.
Identifiers: ClinVar variation 940712 (VCV000940712.10), dbSNP rs2074897267, ClinGen allele CA354156178.
Genomic context (GRCh38, chr3:122,282,144, plus strand): 5'-CACTCACCTTTGTGCTGTCTGTCCTCCAGGTGCCCTTCTCCAACTGCAGCCGAGACTGCC[T>C]GGCAGGGACCAGGAAAGGGATCATTGAGGGGGAGCCCACCTGCTGCTTTGAGTGTGTGGA-3'
Protein context (NP_000379.3, residues 537-557): VPFSNCSRDC[Leu547Pro]AGTRKGIIEG

ClinVar aggregate classification (germline): Uncertain significance (1 of 4 stars; one submission).

Conditions:
Familial hypocalciuric hypercalcemia (FHH). Also called: Familial benign hypercalcemia. Identifiers: Orphanet 405, MedGen C1809471, MONDO:0018458.
Autosomal dominant hypocalcemia 1 (HYPOC1). Also called: HYPOCALCEMIA, FAMILIAL. Identifiers: MedGen C3715128, MONDO:0011013, OMIM 601198.

Submission:

Labcorp Genetics (formerly Invitae), Labcorp
Classification: Uncertain significance for Familial hypocalciuric hypercalcemia; Autosomal dominant hypocalcemia 1. Last evaluated: 2019-09-27. Review status: criteria provided, single submitter. Criteria: Invitae Variant Classification Sherloc (09022015). Collection method: clinical testing. Allele origin: germline.
Comment: In summary, the available evidence is currently insufficient to determine the role of this variant in disease. Therefore, it has been classified as a Variant of Uncertain Significance. Algorithms developed to predict the effect of missense changes on protein structure and function (SIFT, PolyPhen-2, Align-GVGD) all suggest that this variant is likely to be tolerated, but these predictions have not been confirmed by published functional studies and their clinical significance is uncertain. This variant has not been reported in the literature in individuals with CASR-related conditions. This variant is not present in population databases (ExAC no frequency). This sequence change replaces leucine with proline at codon 547 of the CASR protein (p.Leu547Pro). The leucine residue is moderately conserved and there is a moderate physicochemical difference between leucine and proline.